The following is an entry in ClinVar:

ClinVar aggregate classification (germline): Conflicting classifications of pathogenicity. Review status: criteria provided, conflicting classifications (1 of 4 stars). 5 submissions from 5 submitters: Uncertain significance (1); Likely benign (4). Last evaluated 2025-05-19.

Conditions:
Inborn genetic diseases. Identifiers: MedGen C0950123, MeSH D030342.

Allele frequency attached by ClinVar (database versions not stated): gnomAD 0.00001; TOPMed 0.00002; ExAC 0.00003.
gnomAD v4.1: 15 of 1,610,222 alleles (0.00093%); highest among the groups gnomAD compares: Admixed American, 0.0083%; no homozygotes.

Submissions (5):

Labcorp Genetics (formerly Invitae), Labcorp
Classification: Likely benign. Last evaluated: 2025-05-19. Review status: criteria provided, single submitter. Criteria: Invitae Variant Classification Sherloc (09022015). Collection method: clinical testing. Allele origin: germline.

GeneDx
Classification: Uncertain significance. Last evaluated: 2024-08-13. Review status: criteria provided, single submitter. Criteria: GeneDx Variant Classification Process June 2021. Collection method: clinical testing. Allele origin: germline. Affected: yes.
Comment: Not observed at significant frequency in large population cohorts (gnomAD); In silico analysis indicates that this variant does not alter splicing; Has not been previously published as pathogenic or benign to our knowledge

ARUP Laboratories, Molecular Genetics and Genomics, ARUP Laboratories
Classification: Likely benign. Last evaluated: 2023-06-19. Review status: criteria provided, single submitter. Criteria: ARUP Molecular Germline Variant Investigation Process 2024. Collection method: clinical testing. Allele origin: germline.

Ambry Genetics
Classification: Likely benign for Inborn genetic diseases. Last evaluated: 2023-06-12. Review status: criteria provided, single submitter. Criteria: Ambry Variant Classification Scheme 2023. Collection method: clinical testing. Allele origin: germline.

Blueprint Genetics
Classification: Likely benign. Last evaluated: 2022-11-03. Review status: criteria provided, single submitter. Criteria: ACMG Guidelines, 2015. Collection method: clinical testing. Allele origin: germline.

NM_005901.6(SMAD2):c.687T>C (p.Asp229=)

Gene: SMAD2 (SMAD family member 2; minus strand). Cytogenetic location: 18q21.1.
Variant type: single nucleotide variant.
Coding change: c.687T>C on transcript NM_005901.6 (MANE Select); coding-DNA position 687, T replaced by C.
Protein change: p.Asp229=; no amino-acid change (aspartic acid 229 retained).
Molecular consequence: synonymous variant.
Genome position (GRCh38, 1-based): chr18:47,865,102, A>G on the plus strand (T>C on the coding strand, the complement: SMAD2 is on the minus strand). VCF-style: chr18-47865102-A-G. GRCh37 (hg19) VCF-style: chr18-45391473-A-G.
Other names: c.687T>C (NM_005901.4, NM_005901.5); c.687T>C, p.Asp229= (NM_001003652.4); c.597T>C, p.Asp199= (NM_001135937.3).
Identifiers: ClinVar variation 1947815 (VCV001947815.10), dbSNP rs763972729, ClinGen allele CA8956190.